The following is an entry in ClinVar:

NM_007294.4(BRCA1):c.302-2A>C

Gene: BRCA1 (BRCA1 DNA repair associated; minus strand). Cytogenetic location: 17q21.31.
Variant type: single nucleotide variant.
Coding change: c.302-2A>C on transcript NM_007294.4 (MANE Select); the canonical splice acceptor site of the intron before coding-DNA position 302, A replaced by C.
Molecular consequence: splice acceptor variant. On other transcripts: intron variant (2).
Genome position (GRCh38, 1-based): chr17:43,104,263, T>G on the plus strand (A>C on the coding strand, the complement: BRCA1 is on the minus strand). VCF-style: chr17-43104263-T-G. GRCh37 (hg19) VCF-style: chr17-41256280-T-G.
Other names: IVS6-2A>C; c.302-2A>C (NM_001407984.1, NM_001407645.1, NM_001407628.1 and 164 more transcripts); c.-80-2A>C (NM_001407965.1, NM_001407959.1, NM_001407962.1 and 4 more transcripts); c.161-2A>C (NM_001407930.1, NM_001407843.1, NM_001408456.1 and 99 more transcripts); c.92-2A>C (NM_001408482.1, NM_001407954.1, NM_001407896.1 and 58 more transcripts); c.224-2A>C (NM_001407874.1, NM_001408416.1, NM_001408414.1 and 21 more transcripts); c.-218-9403A>C (NM_001407967.1, NM_001407966.1); c.170-2A>C (NM_001408451.1); and 1 more.
Identifiers: ClinVar variation 37500 (VCV000037500.35), dbSNP rs80358011, ClinGen allele CA001979.

ClinVar aggregate classification (germline): Pathogenic/Likely pathogenic. Review status: criteria provided, multiple submitters, no conflicts (2 of 4 stars). 9 submissions from 9 submitters: Pathogenic (5); Likely pathogenic (1). 3 of the submissions do not count toward it. Last evaluated 2023-06-22.

Conditions:
Gastric cancer. Also called: Stomach cancer; Malignant tumor of stomach. Identifiers: MedGen C0024623, MeSH D013274, MONDO:0001056, OMIM 613659, HP:0012126.
Hereditary cancer-predisposing syndrome. Also called: Tumor predisposition; Neoplastic Syndromes, Hereditary; Hereditary Cancer Syndrome; Hereditary neoplastic syndrome. Identifiers: Orphanet 140162, MedGen C0027672, MeSH D009386, MONDO:0015356.
Hereditary breast ovarian cancer syndrome. Also called: Hereditary breast and ovarian cancer syndrome (HBOC); Hereditary breast and ovarian cancer syndrome; Hereditary breast and ovarian cancer; Hereditary breast and/or ovarian cancer syndrome; Breast and ovarian cancer; BRCA1- and BRCA2-Associated Hereditary Breast and Ovarian Cancer. Identifiers: Orphanet 145, MedGen C0677776, MeSH D061325, MONDO:0003582. Disease mechanism: loss of function.
Breast-ovarian cancer, familial, susceptibility to, 1 (BROVCA1). Also called: OVARIAN CANCER, SUSCEPTIBILITY TO; BRCA1 Hereditary Breast and Ovarian Cancer. Identifiers: Orphanet 145, MedGen C2676676, MONDO:0011450, OMIM 604370. Disease mechanism: loss of function.

Submissions (9):

Quest Diagnostics Nichols Institute San Juan Capistrano
Classification: Pathogenic. Last evaluated: 2023-06-22. Review status: criteria provided, single submitter. Criteria: Quest Diagnostics criteria. Collection method: clinical testing. Allele origin: unknown.
Comment: This variant disrupts a canonical splice-acceptor site and interferes with normal BRCA1 mRNA splicing. In the published literature, this variant has been reported in individuals with breast and/or ovarian cancer (PMID: 28111427 (2017), 25863477 (2015), 22798144 (2012), 33471991 (2021)). This variant has not been reported in large, multi-ethnic general populations (Genome Aggregation Database). Based on the available information, this variant is classified as pathogenic.

Ambry Genetics
Classification: Likely pathogenic for Hereditary cancer-predisposing syndrome. Last evaluated: 2023-06-13. Review status: criteria provided, single submitter. Criteria: Ambry Variant Classification Scheme 2023. Collection method: clinical testing. Allele origin: germline.
Comment: The c.302-2A>C intronic variant results from an A to C substitution two nucleotides upstream from coding exon 5 in the BRCA1 gene. This variant has been reported in multiple individuals with a history of breast cancer (Kim H et al. Breast Cancer Res. Treat. 2012 Aug;134:1315-26; Kang E et al. Breast Cancer Res. Treat. 2015 May;151:157-68; Park JS et al. Cancer Res Treat. 2017 Oct;49:1012-1021; Rebbeck TR et al. Hum Mutat. 2018 05;39:593-620; Bang YJ et al. Cancer Res Treat. 2022 Jul;54(3):827-833). This variant was not reported in population-based cohorts in the Genome Aggregation Database (gnomAD). This nucleotide position is highly conserved in available vertebrate species. In silico splice site analysis predicts that this alteration will weaken the native splice acceptor site and will result in the creation or strengthening of a novel splice acceptor site; however, direct evidence is insufficient at this time (Ambry internal data). In addition to the clinical data presented in the literature, alterations that disrupt the canonical splice site are expected to cause aberrant splicing, resulting in an abnormal protein or a transcript that is subject to nonsense-mediated mRNA decay. As such, this alteration is classified as likely pathogenic.

Labcorp Genetics (formerly Invitae), Labcorp
Classification: Pathogenic for Hereditary breast ovarian cancer syndrome. Last evaluated: 2023-04-27. Review status: criteria provided, single submitter. Criteria: Invitae Variant Classification Sherloc (09022015). Collection method: clinical testing. Allele origin: germline.
Comment: For these reasons, this variant has been classified as Pathogenic. This sequence change affects an acceptor splice site in intron 5 of the BRCA1 gene. RNA analysis indicates that disruption of this splice site induces altered splicing and may result in an absent or disrupted protein product. This variant is not present in population databases (gnomAD no frequency). Disruption of this splice site has been observed in individual(s) with a personal and/or family history of breast cancer and ovarian cancer (PMID: 22798144, 28111427, 29446198). ClinVar contains an entry for this variant (Variation ID: 37500). Studies have shown that disruption of this splice site alters BRCA1 gene expression (PMID: 31343793). Studies have shown that disruption of this splice site results in activation of a cryptic splice site and introduces a premature termination codon (PMID: 18712473, 31343793; Invitae). The resulting mRNA is expected to undergo nonsense-mediated decay.

Color Diagnostics, LLC DBA Color Health
Classification: Pathogenic for Hereditary cancer-predisposing syndrome. Last evaluated: 2021-09-10. Review status: criteria provided, single submitter. Criteria: ACMG Guidelines, 2015. Collection method: clinical testing. Allele origin: germline.
Comment: This variant causes an A to C nucleotide substitution at the -2 position of intron 5 of the BRCA1 gene. RNA studies using patient-derived lymphocytes have shown that this variant causes a 10bp deletion in exon 7, leading to premature truncation and nonsense-mediated decay (PMID: 32761968). This variant has been reported in individuals affected with breast cancer or ovarian cancer (PMID: 22798144, 30309222, 31924417, 32455662, 32761968, 33471991; Kwon et al, 2021, DOI: 10.21203/rs.3.rs-734551/v1) and has been identified in 4 families among CIMBA participants (PMID: 29446198). This variant has not been identified in the general population by the Genome Aggregation Database (gnomAD). Loss of BRCA1 function is a known mechanism of disease. Based on the available evidence, this variant is classified as Pathogenic.

Kong lab, Department of Laboratory Medicine, National Cancer Center
Classification: Pathogenic for Breast-ovarian cancer, familial, susceptibility to, 1. Last evaluated: 2020-08-01. Review status: criteria provided, single submitter. Criteria: ACMG Guidelines, 2015. Collection method: research. Allele origin: germline, not applicable. Inheritance: Autosomal dominant inheritance. Observed: 1 heterozygote. Functional consequence: effect on RNA splicing.
Comment: RT-PCR and Sanger sequencing analyses demonstrated that this variant caused partial exon 7 deletion, resulting in a truncated BRCA1 protein (Ryu et al., 2020; PMID: 32761968). This variant is absent from population databases, including ExAC and gnomAD. Given its impact on exon splicing and protein truncation, BRCA1 c.302-2A>C has been classified as pathogenic.

Consortium of Investigators of Modifiers of BRCA1/2 (CIMBA), c/o University of Cambridge
Classification: Pathogenic for Breast-ovarian cancer, familial, susceptibility to, 1. Last evaluated: 2015-10-02. Review status: criteria provided, single submitter. Criteria: CIMBA Mutation Classification guidelines May 2016. Collection method: clinical testing. Allele origin: germline.

Laboratory for Genotyping Development, RIKEN
Classification: Pathogenic for Gastric cancer. Last evaluated: 2021-07-01. Review status: no assertion criteria provided. Collection method: research. Allele origin: germline. Not counted in ClinVar's aggregate classification.

Sharing Clinical Reports Project (SCRP)
Classification: Pathogenic for Breast-ovarian cancer, familial 1. Last evaluated: 2009-08-14. Review status: no assertion criteria provided. Collection method: clinical testing. Allele origin: germline. Not counted in ClinVar's aggregate classification.

Breast Cancer Information Core (BIC) (BRCA1)
Classification: Pathogenic for Breast-ovarian cancer, familial 1. Last evaluated: 2004-11-25. Review status: no assertion criteria provided. Collection method: clinical testing. Allele origin: germline. Affected: yes. Observed: 1 variant allele. Not counted in ClinVar's aggregate classification.

Literature cited by the submitters: PubMed 22798144 (cited by 4 submitters); PubMed 28111427 (cited by 3 submitters); PubMed 33471991 (cited by Quest Diagnostics Nichols Institute San Juan Capistrano and Color Diagnostics, LLC DBA Color Health); PubMed 25863477 (cited by Quest Diagnostics Nichols Institute San Juan Capistrano and Ambry Genetics); PubMed 29446198 (cited by 3 submitters); PubMed 34645131 (cited by Ambry Genetics); PubMed 31343793 (cited by Labcorp Genetics (formerly Invitae), Labcorp); PubMed 18712473 (cited by Labcorp Genetics (formerly Invitae), Labcorp); PubMed 30309222 (cited by Color Diagnostics, LLC DBA Color Health); PubMed 31924417 (cited by Color Diagnostics, LLC DBA Color Health); PubMed 32455662 (cited by Color Diagnostics, LLC DBA Color Health); PubMed 32761968 (cited by Color Diagnostics, LLC DBA Color Health and Kong lab, Department of Laboratory Medicine, National Cancer Center); PubMed 36988593 (cited by Laboratory for Genotyping Development, RIKEN).